The following is an entry in ClinVar:

NM_002691.4(POLD1):c.970+17G>A

Gene: POLD1 (DNA polymerase delta 1, catalytic subunit; plus strand). Cytogenetic location: 19q13.33.
Variant type: single nucleotide variant.
Coding change: c.970+17G>A on transcript NM_002691.4 (MANE Select); 17 bases into the intron after coding-DNA position 970, G replaced by A.
Molecular consequence: intron variant.
Genome position (GRCh38, 1-based): chr19:50,402,758, G>A. VCF-style: chr19-50402758-G-A. GRCh37 (hg19) VCF-style: chr19-50906015-G-A.
Other names: c.970+17G>A (NM_001256849.1, NM_001308632.1, LRG_785t2 and 1 more transcripts).
Identifiers: ClinVar variation 513195 (VCV000513195.8), dbSNP rs757395702, ClinGen allele CA9595975.

ClinVar aggregate classification (germline): Likely benign. Review status: criteria provided, multiple submitters, no conflicts (2 of 4 stars). 2 submissions from 2 submitters: Likely benign (2). Last evaluated 2025-11-15.

Conditions:
POLD1-related polyposis and colorectal cancer syndrome (CRCS10). Also called: Colorectal cancer 10; COLORECTAL CANCER, SUSCEPTIBILITY TO, ON CHROMOSOME 19q; Colorectal cancer, susceptibility to, 10. Identifiers: Orphanet 220460, MedGen C2675481, MONDO:0012953, OMIM 612591.

Allele frequency attached by ClinVar (database versions not stated): ExAC 0.00001; gnomAD 0.00001; gnomAD exomes 0.00001 and 0.00002; TOPMed 0.00002.
gnomAD v4.1: 29 of 1,573,356 alleles (0.0018%); highest among the groups gnomAD compares: South Asian, 0.0091%; no homozygotes.

Submissions (2):

Labcorp Genetics (formerly Invitae), Labcorp
Classification: Likely benign for POLD1-related polyposis and colorectal cancer syndrome. Last evaluated: 2025-11-15. Review status: criteria provided, single submitter. Criteria: Invitae Variant Classification Sherloc (09022015). Collection method: clinical testing. Allele origin: germline.

GeneDx
Classification: Likely benign. Last evaluated: 2017-11-03. Review status: criteria provided, single submitter. Criteria: GeneDx Variant Classification (06012015). Collection method: clinical testing. Allele origin: germline. Affected: yes.
Comment: This variant is considered likely benign or benign based on one or more of the following criteria: it is a conservative change, it occurs at a poorly conserved position in the protein, it is predicted to be benign by multiple in silico algorithms, and/or has population frequency not consistent with disease.